The following is an entry in ClinVar:

NM_006277.3(ITSN2):c.1760A>G (p.Glu587Gly)

Gene: ITSN2 (intersectin 2; minus strand). Cytogenetic location: 2p23.3.
Variant type: single nucleotide variant.
Coding change: c.1760A>G on transcript NM_006277.3 (MANE Select); coding-DNA position 1760, A replaced by G.
Protein change: p.Glu587Gly; replaces glutamic acid 587 with glycine.
Molecular consequence: missense variant.
Genome position (GRCh38, 1-based): chr2:24,286,315, T>C on the plus strand (A>G on the coding strand, the complement: ITSN2 is on the minus strand). VCF-style: chr2-24286315-T-C. GRCh37 (hg19) VCF-style: chr2-24509184-T-C.
Other names: c.1718A>G, p.Glu573Gly (NM_001348181.2, NM_001348184.2); c.1760A>G, p.Glu587Gly (NM_001348182.2, NM_001348183.2, NM_001348185.2 and 3 more transcripts); short protein forms E587G, E573G.
Identifiers: ClinVar variation 4751816 (VCV004751816.1).
Genomic context (GRCh38, chr2:24,286,315, plus strand): 5'-GCAGTTTCTTTTTCAAGAGCATCTAACTGTTCTTTAAGTCTTTGGCATAATTCTTCCTTT[T>C]CTAATGATTTTTTATGAAGTAAACTGACCCCTGAATCTGAAAAACAAACATCAGACAGTT-3'
Protein context (NP_006268.2, residues 577-597): GVSLLHKKSL[Glu587Gly]KEELCQRLKE

ClinVar aggregate classification (germline): Uncertain significance (1 of 4 stars; one submission).

gnomAD v4.1: 123 of 1,610,240 alleles (0.0076%); highest among the groups gnomAD compares: South Asian, 0.13%; 1 homozygote.

Submission:

Labcorp Genetics (formerly Invitae), Labcorp
Classification: Uncertain significance. Last evaluated: 2025-05-06. Review status: criteria provided, single submitter. Criteria: Invitae Variant Classification Sherloc (09022015). Collection method: clinical testing. Allele origin: germline.
Comment: This sequence change replaces glutamic acid, which is acidic and polar, with glycine, which is neutral and non-polar, at codon 587 of the ITSN2 protein (p.Glu587Gly). This variant is present in population databases (rs561496605, gnomAD 0.1%), and has an allele count higher than expected for a pathogenic variant. This variant has not been reported in the literature in individuals affected with ITSN2-related conditions. Experimental studies and prediction algorithms are not available or were not evaluated, and the functional significance of this variant is currently unknown. In summary, the available evidence is currently insufficient to determine the role of this variant in disease. Therefore, it has been classified as a Variant of Uncertain Significance.